The following is an entry in ClinVar:

NM_000264.5(PTCH1):c.3346G>C (p.Val1116Leu)

Gene: PTCH1 (patched 1; minus strand). Cytogenetic location: 9q22.32.
Variant type: single nucleotide variant.
Coding change: c.3346G>C on transcript NM_000264.5 (MANE Select); coding-DNA position 3346, G replaced by C.
Protein change: p.Val1116Leu; replaces valine 1116 with leucine.
Molecular consequence: missense variant. On other transcripts: non-coding transcript variant (1).
Genome position (GRCh38, 1-based): chr9:95,453,581, C>G on the plus strand (G>C on the coding strand, the complement: PTCH1 is on the minus strand). VCF-style: chr9-95453581-C-G. GRCh37 (hg19) VCF-style: chr9-98215863-C-G.
Other names: c.3148G>C, p.Val1050Leu (NM_001083602.3); c.3343G>C, p.Val1115Leu (NM_001083603.3); c.2893G>C, p.Val965Leu (NM_001083604.3, NM_001083605.3, NM_001083606.3 and 1 more transcripts); c.3190G>C, p.Val1064Leu (NM_001354918.2); short protein forms V965L, V1050L, V1064L, V1116L, V1115L.
Identifiers: ClinVar variation 2154676 (VCV002154676.5), dbSNP rs201605273, ClinGen allele CA374111857.

ClinVar aggregate classification (germline): Conflicting classifications of pathogenicity. Review status: criteria provided, conflicting classifications (1 of 4 stars). 2 submissions from 2 submitters: Uncertain significance (1); Benign (1). Last evaluated 2025-12-03.

Conditions:
Gorlin syndrome. Also called: Nevoid Basal Cell Carcinoma Syndrome; Basal cell nevus syndrome. Identifiers: Orphanet 377, MedGen C0004779, MONDO:0007187.
Hereditary cancer-predisposing syndrome. Also called: Neoplastic Syndromes, Hereditary; Hereditary Cancer Syndrome; Hereditary neoplastic syndrome; Tumor predisposition. Identifiers: Orphanet 140162, MedGen C0027672, MeSH D009386, MONDO:0015356.

gnomAD v4.1: 5 of 1,614,092 alleles (0.00031%); highest among the groups gnomAD compares: East Asian, 0.0067%; no homozygotes.

Submissions (2):

Labcorp Genetics (formerly Invitae), Labcorp
Classification: Benign for Gorlin syndrome. Last evaluated: 2025-12-03. Review status: criteria provided, single submitter. Criteria: Invitae Variant Classification Sherloc (09022015). Collection method: clinical testing. Allele origin: germline.

Ambry Genetics
Classification: Uncertain significance for Hereditary cancer-predisposing syndrome. Last evaluated: 2024-06-20. Review status: criteria provided, single submitter. Criteria: Ambry Variant Classification Scheme 2023. Collection method: clinical testing. Allele origin: germline.
Comment: The p.V1116L variant (also known as c.3346G>C), located in coding exon 20 of the PTCH1 gene, results from a G to C substitution at nucleotide position 3346. The valine at codon 1116 is replaced by leucine, an amino acid with highly similar properties. This amino acid position is well conserved in available vertebrate species. In addition, the in silico prediction for this alteration is inconclusive. Based on the available evidence, the clinical significance of this variant remains unclear.